The following is an entry in ClinVar:

NM_002181.4(IHH):c.503G>C (p.Arg168Pro)

Gene: IHH (Indian hedgehog signaling molecule; minus strand). Cytogenetic location: 2q35.
Variant type: single nucleotide variant.
Coding change: c.503G>C on transcript NM_002181.4 (MANE Select); coding-DNA position 503, G replaced by C.
Protein change: p.Arg168Pro; replaces arginine 168 with proline.
Molecular consequence: missense variant.
Genome position (GRCh38, 1-based): chr2:219,057,507, C>G on the plus strand (G>C on the coding strand, the complement: IHH is on the minus strand). VCF-style: chr2-219057507-C-G. GRCh37 (hg19) VCF-style: chr2-219922229-C-G.
Other names: short protein forms R168P.
Identifiers: ClinVar variation 2091897 (VCV002091897.4), dbSNP rs2469514156, ClinGen allele CA350634388.

ClinVar aggregate classification (germline): Uncertain significance (1 of 4 stars; one submission).

Submission:

Labcorp Genetics (formerly Invitae), Labcorp
Classification: Uncertain significance. Last evaluated: 2024-07-01. Review status: criteria provided, single submitter. Criteria: Invitae Variant Classification Sherloc (09022015). Collection method: clinical testing. Allele origin: germline.
Comment: This sequence change replaces arginine, which is basic and polar, with proline, which is neutral and non-polar, at codon 168 of the IHH protein (p.Arg168Pro). This variant is not present in population databases (gnomAD no frequency). This variant has not been reported in the literature in individuals affected with IHH-related conditions. ClinVar contains an entry for this variant (Variation ID: 2091897). Advanced modeling of protein sequence and biophysical properties (such as structural, functional, and spatial information, amino acid conservation, physicochemical variation, residue mobility, and thermodynamic stability) performed at Invitae indicates that this missense variant is expected to disrupt IHH protein function with a positive predictive value of 80%. In summary, the available evidence is currently insufficient to determine the role of this variant in disease. Therefore, it has been classified as a Variant of Uncertain Significance.